The following is an entry in ClinVar:

NM_001378120.1(MBD5):c.1007C>G (p.Pro336Arg)

Gene: MBD5 (methyl-CpG binding domain protein 5; plus strand). Cytogenetic location: 2q23.1.
Variant type: single nucleotide variant.
Coding change: c.1007C>G on transcript NM_001378120.1 (MANE Select); coding-DNA position 1007, C replaced by G.
Protein change: p.Pro336Arg; replaces proline 336 with arginine.
Molecular consequence: missense variant.
Genome position (GRCh38, 1-based): chr2:148,468,950, C>G. VCF-style: chr2-148468950-C-G. GRCh37 (hg19) VCF-style: chr2-149226519-C-G.
Other names: c.1007C>G, p.Pro336Arg (NM_018328.5); short protein forms P336R.
Identifiers: ClinVar variation 3663238 (VCV003663238.2).

ClinVar aggregate classification (germline): Uncertain significance (1 of 4 stars; one submission).

Conditions:
Intellectual developmental disorder, autosomal dominant 1. Also called: MBD5 Haploinsufficiency; Intellectual disability, autosomal dominant 1. Identifiers: Orphanet 228402, MedGen C1969562, MONDO:0007974, OMIM 156200.

Submission:

Labcorp Genetics (formerly Invitae), Labcorp
Classification: Uncertain significance for Intellectual developmental disorder, autosomal dominant 1. Last evaluated: 2024-08-11. Review status: criteria provided, single submitter. Criteria: Invitae Variant Classification Sherloc (09022015). Collection method: clinical testing. Allele origin: germline.
Comment: This sequence change replaces proline, which is neutral and non-polar, with arginine, which is basic and polar, at codon 336 of the MBD5 protein (p.Pro336Arg). This variant is not present in population databases (gnomAD no frequency). This variant has not been reported in the literature in individuals affected with MBD5-related conditions. Advanced modeling of protein sequence and biophysical properties (such as structural, functional, and spatial information, amino acid conservation, physicochemical variation, residue mobility, and thermodynamic stability) has been performed at Invitae for this missense variant, however the output from this modeling did not meet the statistical confidence thresholds required to predict the impact of this variant on MBD5 protein function. In summary, the available evidence is currently insufficient to determine the role of this variant in disease. Therefore, it has been classified as a Variant of Uncertain Significance.